The following is an entry in ClinVar:

ClinVar aggregate classification (germline): Uncertain significance (1 of 4 stars; one submission).

Submission:

Labcorp Genetics (formerly Invitae), Labcorp
Classification: Uncertain significance. Last evaluated: 2024-10-12. Review status: criteria provided, single submitter. Criteria: Invitae Variant Classification Sherloc (09022015). Collection method: clinical testing. Allele origin: germline.
Comment: This sequence change replaces glycine, which is neutral and non-polar, with alanine, which is neutral and non-polar, at codon 140 of the PAFAH1B1 protein (p.Gly140Ala). This variant is not present in population databases (gnomAD no frequency). This variant has not been reported in the literature in individuals affected with PAFAH1B1-related conditions. An algorithm developed to predict the effect of missense changes on protein structure and function (PolyPhen-2) suggests that this variant is likely to be disruptive. In summary, the available evidence is currently insufficient to determine the role of this variant in disease. Therefore, it has been classified as a Variant of Uncertain Significance.

NM_000430.4(PAFAH1B1):c.419G>C (p.Gly140Ala)

Gene: PAFAH1B1 (platelet activating factor acetylhydrolase 1b regulatory subunit 1; plus strand). Cytogenetic location: 17p13.3.
Variant type: single nucleotide variant.
Coding change: c.419G>C on transcript NM_000430.4 (MANE Select); coding-DNA position 419, G replaced by C.
Protein change: p.Gly140Ala; replaces glycine 140 with alanine.
Molecular consequence: missense variant.
Genome position (GRCh38, 1-based): chr17:2,670,182, G>C. VCF-style: chr17-2670182-G-C. GRCh37 (hg19) VCF-style: chr17-2573476-G-C.
Other names: short protein forms G140A.
Identifiers: ClinVar variation 2719067 (VCV002719067.3), dbSNP rs2544096712, ClinGen allele CA397639848.
Genomic context (GRCh38, chr17:2,670,182, plus strand): 5'-TGATGGAGTTGGTGTTAACCAATTTTCTGTTCACTTGACAGGTGTGGGATTATGAGACTG[G>C]AGATTTTGAACGAACTCTTAAAGGACATACAGACTCTGTACAGGACATTTCATTCGACCA-3'
Protein context (NP_000421.1, residues 130-150): ATIKVWDYET[Gly140Ala]DFERTLKGHT